The following is an entry in ClinVar:

NM_001903.5(CTNNA1):c.1226A>T (p.Lys409Met)

Gene: CTNNA1 (catenin alpha 1; plus strand). Cytogenetic location: 5q31.2.
Variant type: single nucleotide variant.
Coding change: c.1226A>T on transcript NM_001903.5 (MANE Select); coding-DNA position 1226, A replaced by T.
Protein change: p.Lys409Met; replaces lysine 409 with methionine.
Molecular consequence: missense variant. On other transcripts: 5 prime UTR variant (5), intron variant (2).
Genome position (GRCh38, 1-based): chr5:138,887,572, A>T. VCF-style: chr5-138887572-A-T. GRCh37 (hg19) VCF-style: chr5-138223261-A-T.
Other names: c.1226A>T, p.Lys409Met (NM_001290307.3, NM_001323982.2, NM_001323983.1 and 3 more transcripts); c.917A>T, p.Lys306Met (NM_001290309.3); c.857A>T, p.Lys286Met (NM_001290310.3); c.116A>T, p.Lys39Met (NM_001290312.1, NM_001323987.1, NM_001323988.1 and 18 more transcripts); c.-282A>T (NM_001324006.1, NM_001324007.1, NM_001324008.1 and 1 more transcripts); c.-157A>T (NM_001324013.1); c.-58+11975A>T (NM_001324012.1); c.-61+11975A>T (NM_001324010.1); short protein forms K306M, K409M, K286M, K39M.
Identifiers: ClinVar variation 3498255 (VCV003498255.1).

ClinVar aggregate classification (germline): Uncertain significance (1 of 4 stars; one submission).

Conditions:
Hereditary cancer-predisposing syndrome. Also called: Tumor predisposition; Neoplastic Syndromes, Hereditary; Hereditary Cancer Syndrome; Hereditary neoplastic syndrome. Identifiers: Orphanet 140162, MedGen C0027672, MeSH D009386, MONDO:0015356.

Submission:

Ambry Genetics
Classification: Uncertain significance for Hereditary cancer-predisposing syndrome. Last evaluated: 2024-10-21. Review status: criteria provided, single submitter. Criteria: Ambry Variant Classification Scheme 2023. Collection method: clinical testing. Allele origin: germline.
Comment: The p.K409M variant (also known as c.1226A>T), located in coding exon 8 of the CTNNA1 gene, results from an A to T substitution at nucleotide position 1226. The lysine at codon 409 is replaced by methionine, an amino acid with similar properties. This amino acid position is conserved. In addition, the in silico prediction for this alteration is inconclusive. Based on the available evidence, the clinical significance of this variant remains unclear.